The following is an entry in ClinVar:

ClinVar aggregate classification (germline): Uncertain significance (1 of 4 stars; one submission).

Submission:

Labcorp Genetics (formerly Invitae), Labcorp
Classification: Uncertain significance. Last evaluated: 2023-06-14. Review status: criteria provided, single submitter. Criteria: Invitae Variant Classification Sherloc (09022015). Collection method: clinical testing. Allele origin: germline.
Comment: This sequence change replaces leucine, which is neutral and non-polar, with proline, which is neutral and non-polar, at codon 1637 of the POLE protein (p.Leu1637Pro). In summary, the available evidence is currently insufficient to determine the role of this variant in disease. Therefore, it has been classified as a Variant of Uncertain Significance. Advanced modeling of protein sequence and biophysical properties (such as structural, functional, and spatial information, amino acid conservation, physicochemical variation, residue mobility, and thermodynamic stability) performed at Invitae indicates that this missense variant is expected to disrupt POLE protein function. This variant has not been reported in the literature in individuals affected with POLE-related conditions. This variant is not present in population databases (gnomAD no frequency).

NM_006231.4(POLE):c.4910T>C (p.Leu1637Pro)

Gene: POLE (DNA polymerase epsilon, catalytic subunit; minus strand). Cytogenetic location: 12q24.33.
Variant type: single nucleotide variant.
Coding change: c.4910T>C on transcript NM_006231.4 (MANE Select); coding-DNA position 4910, T replaced by C.
Protein change: p.Leu1637Pro; replaces leucine 1637 with proline.
Molecular consequence: missense variant.
Genome position (GRCh38, 1-based): chr12:132,642,548, A>G on the plus strand (T>C on the coding strand, the complement: POLE is on the minus strand). VCF-style: chr12-132642548-A-G. GRCh37 (hg19) VCF-style: chr12-133219134-A-G.
Other names: short protein forms L1637P.
Identifiers: ClinVar variation 2853992 (VCV002853992.3), dbSNP rs2138534046, ClinGen allele CA387377940.